The following is an entry in ClinVar:

NC_000009.12:g.35657765A>C

Gene: RMRP (RNA component of mitochondrial RNA processing endoribonuclease; minus strand). Cytogenetic location: 9p13.3.
Variant type: single nucleotide variant.
Genome position: GRCh38 VCF-style: chr9-35657765-A-C. GRCh37 (hg19) VCF-style: chr9-35657762-A-C.
Identifiers: ClinVar variation 2013572 (VCV002013572.4), dbSNP rs2490599614, ClinGen allele CA464450187.

ClinVar aggregate classification (germline): Uncertain significance (1 of 4 stars; one submission).

Conditions:
Anauxetic dysplasia. Identifiers: Orphanet 93347, MedGen C1846796, MONDO:0011773.

Submission:

Labcorp Genetics (formerly Invitae), Labcorp
Classification: Uncertain significance for Anauxetic dysplasia. Last evaluated: 2022-10-25. Review status: criteria provided, single submitter. Criteria: Invitae Variant Classification Sherloc (09022015). Collection method: clinical testing. Allele origin: germline.
Comment: This variant occurs in the RMRP gene, which encodes an RNA molecule that does not result in a protein product. This variant is not present in population databases (gnomAD no frequency). This variant has not been reported in the literature in individuals affected with RMRP-related conditions. Experimental studies and prediction algorithms are not available or were not evaluated, and the functional significance of this variant is currently unknown. In summary, the available evidence is currently insufficient to determine the role of this variant in disease. Therefore, it has been classified as a Variant of Uncertain Significance.